The following is an entry in ClinVar:

ClinVar aggregate classification (germline): Uncertain significance (1 of 4 stars; one submission).

Conditions:
Dilated cardiomyopathy 1W (CMD1W). Identifiers: Orphanet 154, MedGen C1969639, MONDO:0012667, OMIM 611407.

Submission:

Labcorp Genetics (formerly Invitae), Labcorp
Classification: Uncertain significance for Dilated cardiomyopathy 1W. Last evaluated: 2022-09-27. Review status: criteria provided, single submitter. Criteria: Invitae Variant Classification Sherloc (09022015). Collection method: clinical testing. Allele origin: germline.
Comment: Algorithms developed to predict the effect of missense changes on protein structure and function are either unavailable or do not agree on the potential impact of this missense change (SIFT: "Not Available"; PolyPhen-2: "Benign"; Align-GVGD: "Not Available"). In summary, the available evidence is currently insufficient to determine the role of this variant in disease. Therefore, it has been classified as a Variant of Uncertain Significance. ClinVar contains an entry for this variant (Variation ID: 958795). This variant has not been reported in the literature in individuals affected with VCL-related conditions. This variant is not present in population databases (gnomAD no frequency). This sequence change replaces valine, which is neutral and non-polar, with leucine, which is neutral and non-polar, at codon 62 of the VCL protein (p.Val62Leu).

NM_014000.3(VCL):c.184G>C (p.Val62Leu)

Gene: VCL (vinculin; plus strand). Cytogenetic location: 10q22.2.
Variant type: single nucleotide variant.
Coding change: c.184G>C on transcript NM_014000.3 (MANE Select); coding-DNA position 184, G replaced by C.
Protein change: p.Val62Leu; replaces valine 62 with leucine.
Molecular consequence: missense variant.
Genome position (GRCh38, 1-based): chr10:74,043,098, G>C. VCF-style: chr10-74043098-G-C. GRCh37 (hg19) VCF-style: chr10-75802856-G-C.
Other names: c.184G>C, p.Val62Leu (NM_003373.4); short protein forms V62L.
Identifiers: ClinVar variation 958795 (VCV000958795.9), dbSNP rs147809878, ClinGen allele CA377259988.